The following is an entry in ClinVar:

NM_004655.4(AXIN2):c.1530G>A (p.Thr510=)

Gene: AXIN2 (axin 2; minus strand). Cytogenetic location: 17q24.1.
Variant type: single nucleotide variant.
Coding change: c.1530G>A on transcript NM_004655.4 (MANE Select); coding-DNA position 1530, G replaced by A.
Protein change: p.Thr510=; no amino-acid change (threonine 510 retained).
Molecular consequence: synonymous variant.
Genome position (GRCh38, 1-based): chr17:65,537,506, C>T on the plus strand (G>A on the coding strand, the complement: AXIN2 is on the minus strand). VCF-style: chr17-65537506-C-T. GRCh37 (hg19) VCF-style: chr17-63533624-C-T.
Other names: p.T510T:ACG>ACA; p.Thr510=; c.1530G>A (LRG_296t1); c.1530G>A, p.Thr510= (NM_001363813.1).
Identifiers: ClinVar variation 136481 (VCV000136481.75), dbSNP rs141014640, ClinGen allele CA289635.

ClinVar aggregate classification (germline): Benign/Likely benign. Review status: criteria provided, multiple submitters, no conflicts (2 of 4 stars). 20 submissions from 20 submitters: Benign (9); Likely benign (6). 5 of the submissions do not count toward it. Last evaluated 2026-09-01.

Conditions:
Hereditary cancer-predisposing syndrome. Also called: Neoplastic Syndromes, Hereditary; Tumor predisposition; Hereditary neoplastic syndrome; Hereditary Cancer Syndrome. Identifiers: Orphanet 140162, MedGen C0027672, MeSH D009386, MONDO:0015356.
Oligodontia-cancer predisposition syndrome. Also called: TOOTH AGENESIS-COLORECTAL CANCER SYNDROME. Identifiers: Orphanet 300576, MedGen C1837750, MONDO:0012075, OMIM 608615. Disease mechanism: loss of function.

Allele frequency attached by ClinVar (database versions not stated): 1000 Genomes Project 30x 0.00172; 1000 Genomes Project 0.00180; gnomAD 0.00293 and 0.00299; gnomAD exomes 0.00293 and 0.00461; ExAC 0.00295; ESP Exome Variant Server 0.00315; TOPMed 0.00317.
gnomAD v4.1: 7,188 of 1,613,744 alleles (0.45%); highest among the groups gnomAD compares: Non-Finnish European, 0.55%; 21 homozygotes.

Submissions (20):

CeGaT Center for Human Genetics Tuebingen
Classification: Likely benign. Last evaluated: 2026-09-01. Review status: criteria provided, single submitter. Criteria: CeGaT Center For Human Genetics Tuebingen Variant Classification Criteria Version 2. Collection method: clinical testing. Allele origin: germline. Affected: yes. Observed: 22 variant alleles.
Comment: AXIN2: BP4, BP7, BS2

Labcorp Genetics (formerly Invitae), Labcorp
Classification: Benign for Oligodontia-cancer predisposition syndrome. Last evaluated: 2026-02-04. Review status: criteria provided, single submitter. Criteria: Invitae Variant Classification Sherloc (09022015). Collection method: clinical testing. Allele origin: germline.

Quest Diagnostics Nichols Institute San Juan Capistrano
Classification: Benign. Last evaluated: 2025-06-17. Review status: criteria provided, single submitter. Criteria: Quest Diagnostics criteria. Collection method: clinical testing. Allele origin: unknown.

ARUP Laboratories, Molecular Genetics and Genomics, ARUP Laboratories
Classification: Benign. Last evaluated: 2025-05-12. Review status: criteria provided, single submitter. Criteria: ARUP Molecular Germline Variant Investigation Process 2024. Collection method: clinical testing. Allele origin: germline.

Center for Genomic Medicine, Rigshospitalet, Copenhagen University Hospital
Classification: Likely benign. Last evaluated: 2025-03-04. Review status: criteria provided, single submitter. Criteria: ACMG Guidelines, 2015. Collection method: clinical testing. Allele origin: germline.

Mayo Clinic Laboratories, Mayo Clinic
Classification: Likely benign. Last evaluated: 2024-12-10. Review status: criteria provided, single submitter. Criteria: ACMG Guidelines, 2015. Collection method: clinical testing. Allele origin: germline. Observed: 6 variant alleles.
Comment: BS1, BP4, BP7

Blueprint Genetics
Classification: Likely benign. Last evaluated: 2024-11-26. Review status: criteria provided, single submitter. Criteria: ACMG Guidelines, 2015. Collection method: clinical testing. Allele origin: germline.

Myriad Genetics, Inc.
Classification: Benign for Oligodontia-cancer predisposition syndrome. Last evaluated: 2024-07-03. Review status: criteria provided, single submitter. Criteria: Myriad Autosomal Dominant, Autosomal Recessive and X-Linked Classification Criteria (2023). Collection method: clinical testing. Allele origin: unknown.
Comment: This variant is considered benign. This variant is a silent/synonymous amino acid change and it is not expected to impact splicing.

KCCC/NGS Laboratory, Kuwait Cancer Control Center
Classification: Benign for Oligodontia-cancer predisposition syndrome. Last evaluated: 2023-07-07. Review status: criteria provided, single submitter. Criteria: ACMG Guidelines, 2015. Collection method: clinical testing. Allele origin: germline. Affected: yes.

Genetic Services Laboratory, University of Chicago
Classification: Benign. Last evaluated: 2021-02-24. Review status: criteria provided, single submitter. Criteria: ACMG Guidelines, 2015. Collection method: clinical testing. Allele origin: germline. Affected: no.

Sema4
Classification: Benign for Hereditary cancer-predisposing syndrome. Last evaluated: 2020-05-10. Review status: criteria provided, single submitter. Criteria: Sema4 Curation Guidelines. Collection method: curation. Allele origin: germline.

Ambry Genetics
Classification: Likely benign for Hereditary cancer-predisposing syndrome. Last evaluated: 2018-09-11. Review status: criteria provided, single submitter. Criteria: Ambry Variant Classification Scheme 2023. Collection method: clinical testing. Allele origin: germline.

Illumina Laboratory Services, Illumina
Classification: Benign for Oligodontia-cancer predisposition syndrome. Last evaluated: 2018-01-13. Review status: criteria provided, single submitter. Criteria: ICSL Variant Classification Criteria 13 December 2019. Collection method: clinical testing. Allele origin: germline.
Comment: This variant was observed in the ICSL laboratory as part of a predisposition screen in an ostensibly healthy population. It had not been previously curated by ICSL or reported in the Human Gene Mutation Database (HGMD: prior to June 1st, 2018), and was therefore a candidate for classification through an automated scoring system. Utilizing variant allele frequency, disease prevalence and penetrance estimates, and inheritance mode, an automated score was calculated to assess if this variant is too frequent to cause the disease. Based on the score and internal cut-off values, a variant classified as benign is not then subjected to further curation. The score for this variant resulted in a classification of benign for this disease.

GeneDx
Classification: Benign. Last evaluated: 2013-12-20. Review status: criteria provided, single submitter. Criteria: GeneDx Variant Classification (06012015). Collection method: clinical testing. Allele origin: germline. Affected: yes.
Comment: This variant is considered likely benign or benign based on one or more of the following criteria: it is a conservative change, it occurs at a poorly conserved position in the protein, it is predicted to be benign by multiple in silico algorithms, and/or has population frequency not consistent with disease.

Breakthrough Genomics
Classification: Likely benign. Review status: criteria provided, single submitter. Criteria: ACMG Guidelines, 2015. Collection method: not provided. Allele origin: germline. Inheritance: Autosomal dominant inheritance. Affected: yes.

Clinical Genetics, Academic Medical Center
Classification: Likely benign. Review status: no assertion criteria provided. Collection method: clinical testing. Allele origin: germline. Affected: yes. Study: VKGL Data-share Consensus. Not counted in ClinVar's aggregate classification.

Diagnostic Laboratory, Department of Genetics, University Medical Center Groningen
Classification: Likely benign. Review status: no assertion criteria provided. Collection method: clinical testing. Allele origin: germline. Affected: yes. Study: VKGL Data-share Consensus. Not counted in ClinVar's aggregate classification.

Genome Diagnostics Laboratory, Amsterdam University Medical Center
Classification: Benign. Review status: no assertion criteria provided. Collection method: clinical testing. Allele origin: germline. Affected: yes. Study: VKGL Data-share Consensus. Not counted in ClinVar's aggregate classification.

Genome Diagnostics Laboratory, University Medical Center Utrecht
Classification: Likely benign. Review status: no assertion criteria provided. Collection method: clinical testing. Allele origin: germline. Affected: yes. Study: VKGL Data-share Consensus. Not counted in ClinVar's aggregate classification.

Laboratory of Diagnostic Genome Analysis, Leiden University Medical Center (LUMC)
Classification: Likely benign. Review status: no assertion criteria provided. Collection method: clinical testing. Allele origin: germline. Affected: yes. Study: VKGL Data-share Consensus. Not counted in ClinVar's aggregate classification.

Literature cited by the submitters: PubMed 29114927 (cited by Quest Diagnostics Nichols Institute San Juan Capistrano and Ambry Genetics); PubMed 16941501 (cited by Quest Diagnostics Nichols Institute San Juan Capistrano); PubMed 30555066 (cited by Quest Diagnostics Nichols Institute San Juan Capistrano).